The following is an entry in ClinVar:

NM_000217.3(KCNA1):c.1454G>A (p.Cys485Tyr)

Gene: KCNA1 (potassium voltage-gated channel subfamily A member 1; plus strand). Cytogenetic location: 12p13.32.
Variant type: single nucleotide variant.
Coding change: c.1454G>A on transcript NM_000217.3 (MANE Select); coding-DNA position 1454, G replaced by A.
Protein change: p.Cys485Tyr; replaces cysteine 485 with tyrosine.
Molecular consequence: missense variant.
Genome position (GRCh38, 1-based): chr12:4,912,832, G>A. VCF-style: chr12-4912832-G-A. GRCh37 (hg19) VCF-style: chr12-5021998-G-A.
Other names: short protein forms C485Y.
Identifiers: ClinVar variation 4090050 (VCV004090050.2).

ClinVar aggregate classification (germline): Uncertain significance. Review status: criteria provided, multiple submitters, no conflicts (2 of 4 stars). 2 submissions from 2 submitters: Uncertain significance (2). Last evaluated 2026-07-01.

Conditions:
Inborn genetic diseases. Identifiers: MedGen C0950123, MeSH D030342.

Submissions (2):

CeGaT Center for Human Genetics Tuebingen
Classification: Uncertain significance. Last evaluated: 2026-07-01. Review status: criteria provided, single submitter. Criteria: CeGaT Center For Human Genetics Tuebingen Variant Classification Criteria Version 2. Collection method: clinical testing. Allele origin: germline. Affected: yes. Observed: 1 variant allele.
Comment: KCNA1: PM2

Ambry Genetics
Classification: Uncertain significance for Inborn genetic diseases. Last evaluated: 2025-08-01. Review status: criteria provided, single submitter. Criteria: Ambry Variant Classification Scheme 2023. Collection method: clinical testing. Allele origin: germline.